The following is an entry in ClinVar:

ClinVar aggregate classification (germline): Uncertain significance. Review status: criteria provided, multiple submitters, no conflicts (2 of 4 stars). 3 submissions from 3 submitters: Uncertain significance (3). Last evaluated 2025-07-24.

Conditions:
Inborn genetic diseases. Identifiers: MedGen C0950123, MeSH D030342.
Alpha-methylacyl-CoA racemase deficiency (AMACRD). Also called: AMACR deficiency. Identifiers: Orphanet 79095, MedGen C3280428, MONDO:0013681, OMIM 614307. Disease mechanism: loss of function.

Allele frequency attached by ClinVar (database versions not stated): gnomAD exomes below 0.00001; ExAC 0.00001; gnomAD 0.00001; TOPMed 0.00001.
gnomAD v4.1: 8 of 1,613,988 alleles (0.0005%); highest among the groups gnomAD compares: African/African-American, 0.0027%; no homozygotes.

Submissions (3):

Mayo Clinic Laboratories, Mayo Clinic
Classification: Uncertain significance. Last evaluated: 2025-07-24. Review status: criteria provided, single submitter. Criteria: ACMG Guidelines, 2015. Collection method: clinical testing. Allele origin: germline. Observed: 1 variant allele.
Comment: PP3, PP4, PM2_supporting, PM3_supporting

Ambry Genetics
Classification: Uncertain significance for Inborn genetic diseases. Last evaluated: 2024-05-01. Review status: criteria provided, single submitter. Criteria: Ambry Variant Classification Scheme 2023. Collection method: clinical testing. Allele origin: germline.

Labcorp Genetics (formerly Invitae), Labcorp
Classification: Uncertain significance for Alpha-methylacyl-CoA racemase deficiency. Last evaluated: 2022-09-07. Review status: criteria provided, single submitter. Criteria: Invitae Variant Classification Sherloc (09022015). Collection method: clinical testing. Allele origin: germline.
Comment: ClinVar contains an entry for this variant (Variation ID: 1382430). In summary, the available evidence is currently insufficient to determine the role of this variant in disease. Therefore, it has been classified as a Variant of Uncertain Significance. Algorithms developed to predict the effect of missense changes on protein structure and function (SIFT, PolyPhen-2, Align-GVGD) all suggest that this variant is likely to be disruptive. This variant has not been reported in the literature in individuals affected with AMACR-related conditions. This variant is present in population databases (rs770694101, gnomAD 0.007%). This sequence change replaces arginine, which is basic and polar, with histidine, which is basic and polar, at codon 171 of the AMACR protein (p.Arg171His).

Literature cited by the submitters: PubMed 39313810 (cited by Mayo Clinic Laboratories, Mayo Clinic).

NM_014324.6(AMACR):c.512G>A (p.Arg171His)

Genes: AMACR (alpha-methylacyl-CoA racemase; minus strand), C1QTNF3-AMACR (C1QTNF3-AMACR readthrough (NMD candidate); minus strand). Cytogenetic location: 5p13.2.
Variant type: single nucleotide variant.
Coding change: c.512G>A on transcript NM_014324.6 (MANE Select); coding-DNA position 512, G replaced by A.
Protein change: p.Arg171His; replaces arginine 171 with histidine.
Molecular consequence: missense variant. On other transcripts: intron variant (1).
Genome position (GRCh38, 1-based): chr5:34,004,614, C>T on the plus strand (G>A on the coding strand, the complement: AMACR is on the minus strand). VCF-style: chr5-34004614-C-T. GRCh37 (hg19) VCF-style: chr5-34004719-C-T.
Other names: p.Arg171His; c.512G>A, p.Arg171His (NM_001167595.2); c.391+1142G>A (NM_203382.3); c.512G>A (NM_014324.5); short protein forms R171H.
Identifiers: ClinVar variation 1382430 (VCV001382430.9), dbSNP rs770694101, ClinGen allele CA3226192.